The following is an entry in ClinVar:

NM_004114.5(FGF13):c.478T>C (p.Tyr160His)

Gene: FGF13 (fibroblast growth factor 13; minus strand). Cytogenetic location: Xq26.3.
Variant type: single nucleotide variant.
Coding change: c.478T>C on transcript NM_004114.5 (MANE Select); coding-DNA position 478, T replaced by C.
Protein change: p.Tyr160His; replaces tyrosine 160 with histidine.
Molecular consequence: missense variant.
Genome position (GRCh38, 1-based): chrX:138,635,580, A>G on the plus strand (T>C on the coding strand, the complement: FGF13 is on the minus strand). VCF-style: chrX-138635580-A-G. GRCh37 (hg19) VCF-style: chrX-137717741-A-G.
Other names: c.340T>C, p.Tyr114His (NM_001139498.2); c.508T>C, p.Tyr170His (NM_001139500.2); c.421T>C, p.Tyr141His (NM_001139501.2, NM_001139502.2); c.319T>C, p.Tyr107His (NM_033642.3); short protein forms Y107H, Y114H, Y141H, Y160H, Y170H.
Identifiers: ClinVar variation 4528086 (VCV004528086.1).

ClinVar aggregate classification (germline): Uncertain significance (1 of 4 stars; one submission).

gnomAD v4.1: 2 of 1,209,132 alleles (0.00017%); highest among the groups gnomAD compares: South Asian, 0.0018%; no homozygotes.

Submission:

GeneDx
Classification: Uncertain significance. Last evaluated: 2025-05-02. Review status: criteria provided, single submitter. Criteria: GeneDx Variant Classification Process June 2021. Collection method: clinical testing. Allele origin: germline. Affected: yes.
Comment: Not observed at significant frequency in large population cohorts (gnomAD); In silico analysis supports that this missense variant has a deleterious effect on protein structure/function; Has not been previously published as pathogenic or benign to our knowledge